The following is an entry in ClinVar:

ClinVar aggregate classification (germline): Uncertain significance (1 of 4 stars; one submission).

Allele frequency attached by ClinVar (database versions not stated): gnomAD exomes 0.00001; ExAC 0.00003.
gnomAD v4.1: 18 of 1,614,004 alleles (0.0011%); highest among the groups gnomAD compares: East Asian, 0.011%; no homozygotes.

Submission:

Labcorp Genetics (formerly Invitae), Labcorp
Classification: Uncertain significance. Last evaluated: 2026-01-06. Review status: criteria provided, single submitter. Criteria: Invitae Variant Classification Sherloc (09022015). Collection method: clinical testing. Allele origin: germline.
Comment: This sequence change replaces valine, which is neutral and non-polar, with alanine, which is neutral and non-polar, at codon 240 of the CLIC5 protein (p.Val240Ala). This variant is present in population databases (rs377285809, gnomAD 0.02%). This variant has not been reported in the literature in individuals affected with CLIC5-related conditions. ClinVar contains an entry for this variant (Variation ID: 2957372). An algorithm developed to predict the effect of missense changes on protein structure and function (PolyPhen-2) suggests that this variant is likely to be disruptive. In summary, the available evidence is currently insufficient to determine the role of this variant in disease. Therefore, it has been classified as a Variant of Uncertain Significance.

NM_016929.5(CLIC5):c.242T>C (p.Val81Ala)

Gene: CLIC5 (chloride intracellular channel 5; minus strand). Cytogenetic location: 6p21.1.
Variant type: single nucleotide variant.
Coding change: c.242T>C on transcript NM_016929.5 (MANE Select); coding-DNA position 242, T replaced by C.
Protein change: p.Val81Ala; replaces valine 81 with alanine.
Molecular consequence: missense variant.
Genome position (GRCh38, 1-based): chr6:45,949,313, A>G on the plus strand (T>C on the coding strand, the complement: CLIC5 is on the minus strand). VCF-style: chr6-45949313-A-G. GRCh37 (hg19) VCF-style: chr6-45917050-A-G.
Other names: c.719T>C, p.Val240Ala (NM_001114086.2, NM_001370650.1); c.242T>C, p.Val81Ala (NM_001256023.2); c.125T>C, p.Val42Ala (NM_001370649.1); short protein forms V81A, V42A, V240A.
Identifiers: ClinVar variation 2957372 (VCV002957372.3), dbSNP rs377285809, ClinGen allele CA3836863.